The following is an entry in ClinVar:

NM_000428.3(LTBP2):c.3029A>T (p.Asp1010Val)

Gene: LTBP2 (latent transforming growth factor beta binding protein 2; minus strand). Cytogenetic location: 14q24.3.
Variant type: single nucleotide variant.
Coding change: c.3029A>T on transcript NM_000428.3 (MANE Select); coding-DNA position 3029, A replaced by T.
Protein change: p.Asp1010Val; replaces aspartic acid 1010 with valine.
Molecular consequence: missense variant.
Genome position (GRCh38, 1-based): chr14:74,510,213, T>A on the plus strand (A>T on the coding strand, the complement: LTBP2 is on the minus strand). VCF-style: chr14-74510213-T-A. GRCh37 (hg19) VCF-style: chr14-74976916-T-A.
Other names: short protein forms D1010V.
Identifiers: ClinVar variation 3292223 (VCV003292223.2).

ClinVar aggregate classification (germline): Uncertain significance. Review status: criteria provided, multiple submitters, no conflicts (2 of 4 stars). 2 submissions from 2 submitters: Uncertain significance (2). Last evaluated 2025-08-27.

Conditions:
Inborn genetic diseases. Identifiers: MedGen C0950123, MeSH D030342.

gnomAD v4.1: 17 of 1,613,490 alleles (0.0011%); highest among the groups gnomAD compares: African/African-American, 0.02%; no homozygotes.

Submissions (2):

Labcorp Genetics (formerly Invitae), Labcorp
Classification: Uncertain significance. Last evaluated: 2025-08-27. Review status: criteria provided, single submitter. Criteria: Invitae Variant Classification Sherloc (09022015). Collection method: clinical testing. Allele origin: germline.
Comment: This sequence change replaces aspartic acid, which is acidic and polar, with valine, which is neutral and non-polar, at codon 1010 of the LTBP2 protein (p.Asp1010Val). This variant is present in population databases (rs145407611, gnomAD 0.01%). This variant has not been reported in the literature in individuals affected with LTBP2-related conditions. ClinVar contains an entry for this variant (Variation ID: 3292223). An algorithm developed to predict the effect of missense changes on protein structure and function (PolyPhen-2) suggests that this variant is likely to be disruptive. In summary, the available evidence is currently insufficient to determine the role of this variant in disease. Therefore, it has been classified as a Variant of Uncertain Significance.

Ambry Genetics
Classification: Uncertain significance for Inborn genetic diseases. Last evaluated: 2024-04-06. Review status: criteria provided, single submitter. Criteria: Ambry Variant Classification Scheme 2023. Collection method: clinical testing. Allele origin: germline.